The following is an entry in ClinVar:

NM_017637.6(BNC2):c.1973A>T (p.Asp658Val)

Genes: BNC2 (basonuclin zinc finger protein 2; minus strand), LOC126860585 (MED14-independent group 3 enhancer GRCh37_chr9:16435259-16436458; plus strand). Cytogenetic location: 9p22.3.
Variant type: single nucleotide variant.
Coding change: c.1973A>T on transcript NM_017637.6 (MANE Select); coding-DNA position 1973, A replaced by T.
Protein change: p.Asp658Val; replaces aspartic acid 658 with valine.
Molecular consequence: missense variant.
Genome position (GRCh38, 1-based): chr9:16,436,221, T>A on the plus strand (A>T on the coding strand, the complement: BNC2 is on the minus strand). VCF-style: chr9-16436221-T-A. GRCh37 (hg19) VCF-style: chr9-16436219-T-A.
Other names: c.1847A>T, p.Asp616Val (NM_001317939.2); c.1688A>T, p.Asp563Val (NM_001317940.2); short protein forms D563V, D616V, D658V.
Identifiers: ClinVar variation 2786156 (VCV002786156.3), dbSNP rs774745887, ClinGen allele CA4995991.

ClinVar aggregate classification (germline): Uncertain significance (1 of 4 stars; one submission).

Allele frequency attached by ClinVar (database versions not stated): gnomAD exomes below 0.00001; ExAC 0.00001.
gnomAD v4.1: 1 of 1,614,140 alleles (0.000062%); highest among the groups gnomAD compares: East Asian, 0.0022%; no homozygotes.

Submission:

Labcorp Genetics (formerly Invitae), Labcorp
Classification: Uncertain significance. Last evaluated: 2023-06-28. Review status: criteria provided, single submitter. Criteria: Invitae Variant Classification Sherloc (09022015). Collection method: clinical testing. Allele origin: germline.
Comment: This sequence change replaces aspartic acid, which is acidic and polar, with valine, which is neutral and non-polar, at codon 658 of the BNC2 protein (p.Asp658Val). In summary, the available evidence is currently insufficient to determine the role of this variant in disease. Therefore, it has been classified as a Variant of Uncertain Significance. An algorithm developed to predict the effect of missense changes on protein structure and function (PolyPhen-2) suggests that this variant is likely to be tolerated. This variant has not been reported in the literature in individuals affected with BNC2-related conditions. This variant is present in population databases (rs774745887, gnomAD 0.006%).